The following is an entry in ClinVar:

NM_032530.2(ZNF594):c.2299A>G (p.Ser767Gly)

Gene: ZNF594 (zinc finger protein 594; minus strand). Cytogenetic location: 17p13.2.
Variant type: single nucleotide variant.
Coding change: c.2299A>G on transcript NM_032530.2 (MANE Select); coding-DNA position 2299, A replaced by G.
Protein change: p.Ser767Gly; replaces serine 767 with glycine.
Molecular consequence: missense variant.
Genome position (GRCh38, 1-based): chr17:5,181,958, T>C on the plus strand (A>G on the coding strand, the complement: ZNF594 is on the minus strand). VCF-style: chr17-5181958-T-C. GRCh37 (hg19) VCF-style: chr17-5085253-T-C.
Other names: short protein forms S767G.
Identifiers: ClinVar variation 3239136 (VCV003239136.19), dbSNP rs753029616.

ClinVar aggregate classification (germline): Likely benign (1 of 4 stars; one submission).

Allele frequency attached by ClinVar (database versions not stated): ExAC 0.00015.

Submission:

CeGaT Center for Human Genetics Tuebingen
Classification: Likely benign. Last evaluated: 2024-05-01. Review status: criteria provided, single submitter. Criteria: CeGaT Center For Human Genetics Tuebingen Variant Classification Criteria Version 2. Collection method: clinical testing. Allele origin: germline. Affected: yes. Observed: 1 variant allele.
Comment: ZNF594: BP4, BS2